The following is an entry in ClinVar:

NM_201384.3(PLEC):c.10058G>A (p.Gly3353Asp)

Gene: PLEC (plectin; minus strand). Cytogenetic location: 8q24.3.
Variant type: single nucleotide variant.
Coding change: c.10058G>A on transcript NM_201384.3 (MANE Select); coding-DNA position 10058, G replaced by A.
Protein change: p.Gly3353Asp; replaces glycine 3353 with aspartic acid.
Molecular consequence: missense variant.
Genome position (GRCh38, 1-based): chr8:143,919,763, C>T on the plus strand (G>A on the coding strand, the complement: PLEC is on the minus strand). VCF-style: chr8-143919763-C-T. GRCh37 (hg19) VCF-style: chr8-144993931-C-T.
Other names: c.10139G>A, p.Gly3380Asp (NM_000445.5); c.10016G>A, p.Gly3339Asp (NM_201378.4); c.9992G>A, p.Gly3331Asp (NM_201379.3); c.10469G>A, p.Gly3490Asp (NM_201380.4); c.9962G>A, p.Gly3321Asp (NM_201381.3); c.10058G>A, p.Gly3353Asp (NM_201382.4); c.10070G>A, p.Gly3357Asp (NM_201383.3); short protein forms G3339D, G3353D, G3331D, G3357D, G3321D, G3380D, G3490D.
Identifiers: ClinVar variation 1510711 (VCV001510711.8), dbSNP rs35261863, ClinGen allele CA372504219.
Genomic context (GRCh38, chr8:143,919,763, plus strand): 5'-TCGTAGATGGACACCTTCTCCTTGGTGTCCTCCAGGTAGATGCCGGCGAGGCAGCCACTG[C>T]CCTGCAGCAGCGTCCGCACGGAGCCCAGCTCCGAAAGGTCCTTGACCGTCGTCTTGCCGT-3'
Protein context (NP_958786.1, residues 3343-3363): ELGSVRTLLQ[Gly3353Asp]SGCLAGIYLE

ClinVar aggregate classification (germline): Uncertain significance (1 of 4 stars; one submission).

Conditions:
Autosomal recessive limb-girdle muscular dystrophy type 2Q (LGMDR17). Also called: MUSCULAR DYSTROPHY, LIMB-GIRDLE, AUTOSOMAL RECESSIVE 17. Identifiers: Orphanet 254361, MedGen C3150989, MONDO:0013390, OMIM 613723.
Epidermolysis bullosa simplex, Ogna type (EBS5A). Also called: Pidermolysis bullosa simplex 5A, Ogna type; EPIDERMOLYSIS BULLOSA SIMPLEX 5A, OGNA TYPE. Identifiers: Orphanet 79401, MedGen C0432317, MONDO:0007555, OMIM 131950.
Epidermolysis bullosa simplex 5B, with muscular dystrophy (EBS5B). Also called: EPIDERMOLYSIS BULLOSA SIMPLEX AND LIMB-GIRDLE MUSCULAR DYSTROPHY; Epidermolysis bullosa simplex with muscular dystrophy. Identifiers: Orphanet 257, MedGen C2931072, MONDO:0009181, OMIM 226670.
Epidermolysis bullosa simplex 5C, with pyloric atresia (EBS5C). Also called: Epidermolysis bullosa simplex with pyloric atresia; PLEC-Related Epidermolysis Bullosa with Pyloric Atresia; PLEC1-Related Epidermolysis Bullosa with Pyloric Atresia. Identifiers: Orphanet 158684, MedGen C2677349, MONDO:0012807, OMIM 612138.
Epidermolysis bullosa simplex with nail dystrophy (EBS5D). Identifiers: MedGen C4225309, MONDO:0014661, OMIM 616487.

gnomAD v4.1: 1 of 1,610,698 alleles (0.000062%); highest among the groups gnomAD compares: Non-Finnish European, 0.000085%; no homozygotes.

Submission:

Labcorp Genetics (formerly Invitae), Labcorp
Classification: Uncertain significance for Autosomal recessive limb-girdle muscular dystrophy type 2Q; Epidermolysis bullosa simplex, Ogna type; Epidermolysis bullosa simplex with nail dystrophy; Epidermolysis bullosa simplex 5C, with pyloric atresia; Epidermolysis bullosa simplex 5B, with muscular dystrophy. Last evaluated: 2022-02-05. Review status: criteria provided, single submitter. Criteria: Invitae Variant Classification Sherloc (09022015). Collection method: clinical testing. Allele origin: germline.
Comment: In summary, the available evidence is currently insufficient to determine the role of this variant in disease. Therefore, it has been classified as a Variant of Uncertain Significance. Algorithms developed to predict the effect of missense changes on protein structure and function (SIFT, PolyPhen-2, Align-GVGD) all suggest that this variant is likely to be disruptive. This variant has not been reported in the literature in individuals affected with PLEC-related conditions. This variant is not present in population databases (gnomAD no frequency). This sequence change replaces glycine, which is neutral and non-polar, with aspartic acid, which is acidic and polar, at codon 3380 of the PLEC protein (p.Gly3380Asp).